The following is an entry in ClinVar:

ClinVar aggregate classification (germline): Uncertain significance (1 of 4 stars; one submission).

Conditions:
Glycogen storage disease type III (GSD3). Also called: Cori disease; FORBES DISEASE. Identifiers: Orphanet 366, MedGen C0017922, MONDO:0009291, OMIM 232400.

Submission:

Labcorp Genetics (formerly Invitae), Labcorp
Classification: Uncertain significance for Glycogen storage disease type III. Last evaluated: 2017-10-14. Review status: criteria provided, single submitter. Criteria: Invitae Variant Classification Sherloc (09022015). Collection method: clinical testing. Allele origin: germline.
Comment: This sequence change replaces aspartic acid with histidine at codon 1374 of the AGL protein (p.Asp1374His). The aspartic acid residue is highly conserved and there is a moderate physicochemical difference between aspartic acid and histidine. This variant is not present in population databases (ExAC no frequency). This variant has not been reported in the literature in individuals with AGL-related disease. Algorithms developed to predict the effect of missense changes on protein structure and function (SIFT, PolyPhen-2, Align-GVGD) all suggest that this variant is likely to be disruptive, but these predictions have not been confirmed by published functional studies and their clinical significance is uncertain. In summary, the available evidence is currently insufficient to determine the role of this variant in disease. Therefore, it has been classified as a Variant of Uncertain Significance.

NM_000642.3(AGL):c.4120G>C (p.Asp1374His)

Gene: AGL (amylo-alpha-1,6-glucosidase and 4-alpha-glucanotransferase; plus strand). Cytogenetic location: 1p21.2.
Variant type: single nucleotide variant.
Coding change: c.4120G>C on transcript NM_000642.3 (MANE Select); coding-DNA position 4120, G replaced by C.
Protein change: p.Asp1374His; replaces aspartic acid 1374 with histidine.
Molecular consequence: missense variant.
Genome position (GRCh38, 1-based): chr1:99,913,697, G>C. VCF-style: chr1-99913697-G-C. GRCh37 (hg19) VCF-style: chr1-100379253-G-C.
Other names: c.4120G>C, p.Asp1374His (NM_000028.3, NM_000643.3, NM_000644.3 and 1 more transcripts); c.4072G>C, p.Asp1358His (NM_000646.3); c.4099G>C, p.Asp1367His (NM_001425326.1); c.3919G>C, p.Asp1307His (NM_001425327.1); c.3916G>C, p.Asp1306His (NM_001425328.1); c.3781G>C, p.Asp1261His (NM_001425329.1); c.3742G>C, p.Asp1248His (NM_001425332.1); short protein forms D1374H, D1358H, D1248H, D1261H, D1306H, D1307H, D1367H.
Identifiers: ClinVar variation 526575 (VCV000526575.9), dbSNP rs1553192955, ClinGen allele CA341340223.